The following is an entry in ClinVar:

ClinVar aggregate classification (germline): Uncertain significance (1 of 4 stars; one submission).

Conditions:
Severe combined immunodeficiency due to CORO1A deficiency. Also called: Immunodeficiency 8; IMMUNODEFICIENCY 8 WITH LYMPHOPROLIFERATION. Identifiers: Orphanet 228003, MedGen C3809383, MONDO:0014168, OMIM 615401.

Allele frequency attached by ClinVar (database versions not stated): gnomAD 0.00001.
gnomAD v4.1: 42 of 1,612,822 alleles (0.0026%); highest among the groups gnomAD compares: Non-Finnish European, 0.0033%; no homozygotes.

Submission:

Labcorp Genetics (formerly Invitae), Labcorp
Classification: Uncertain significance for Severe combined immunodeficiency due to CORO1A deficiency. Last evaluated: 2023-10-03. Review status: criteria provided, single submitter. Criteria: Invitae Variant Classification Sherloc (09022015). Collection method: clinical testing. Allele origin: germline.
Comment: This sequence change replaces leucine, which is neutral and non-polar, with valine, which is neutral and non-polar, at codon 404 of the CORO1A protein (p.Leu404Val). This variant is present in population databases (no rsID available, gnomAD 0.007%). This variant has not been reported in the literature in individuals affected with CORO1A-related conditions. ClinVar contains an entry for this variant (Variation ID: 2166053). Advanced modeling of protein sequence and biophysical properties (such as structural, functional, and spatial information, amino acid conservation, physicochemical variation, residue mobility, and thermodynamic stability) performed at Invitae indicates that this missense variant is not expected to disrupt CORO1A protein function. Algorithms developed to predict the effect of sequence changes on RNA splicing suggest that this variant may create or strengthen a splice site. In summary, the available evidence is currently insufficient to determine the role of this variant in disease. Therefore, it has been classified as a Variant of Uncertain Significance.

NM_007074.4(CORO1A):c.1210C>G (p.Leu404Val)

Gene: CORO1A (coronin 1A; plus strand). Cytogenetic location: 16p11.2.
Variant type: single nucleotide variant.
Coding change: c.1210C>G on transcript NM_007074.4 (MANE Select); coding-DNA position 1210, C replaced by G.
Protein change: p.Leu404Val; replaces leucine 404 with valine.
Molecular consequence: missense variant.
Genome position (GRCh38, 1-based): chr16:30,188,505, C>G. VCF-style: chr16-30188505-C-G. GRCh37 (hg19) VCF-style: chr16-30199826-C-G.
Other names: c.1210C>G, p.Leu404Val (NM_001193333.3); short protein forms L404V.
Identifiers: ClinVar variation 2166053 (VCV002166053.4), dbSNP rs11555339, ClinGen allele CA395499447.